The following is an entry in ClinVar:

NM_133433.4(NIPBL):c.4726C>A (p.Pro1576Thr)

Gene: NIPBL (NIPBL cohesin loading factor; plus strand). Cytogenetic location: 5p13.2.
Variant type: single nucleotide variant.
Coding change: c.4726C>A on transcript NM_133433.4 (MANE Select); coding-DNA position 4726, C replaced by A.
Protein change: p.Pro1576Thr; replaces proline 1576 with threonine.
Molecular consequence: missense variant.
Genome position (GRCh38, 1-based): chr5:37,016,120, C>A. VCF-style: chr5-37016120-C-A. GRCh37 (hg19) VCF-style: chr5-37016222-C-A.
Other names: c.4726C>A, p.Pro1576Thr (NM_015384.5); c.4726C>A (NM_133433.3); short protein forms P1576T.
Identifiers: ClinVar variation 2904478 (VCV002904478.4), dbSNP rs749218502, ClinGen allele CA3236619.

ClinVar aggregate classification (germline): Uncertain significance. Review status: criteria provided, multiple submitters, no conflicts (2 of 4 stars). 2 submissions from 2 submitters: Uncertain significance (2). Last evaluated 2025-10-29.

Conditions:
Cornelia de Lange syndrome 1 (CDLS1). Also called: TYPUS DEGENERATIVUS AMSTELODAMENSIS; Brachmann de Lange syndrome; NIPBL-Related Cornelia de Lange Syndrome. Identifiers: Orphanet 199, MedGen C4551851, MONDO:0007387, OMIM 122470.
Inborn genetic diseases. Identifiers: MedGen C0950123, MeSH D030342.

Allele frequency attached by ClinVar (database versions not stated): gnomAD exomes below 0.00001; ExAC 0.00001; gnomAD 0.00001; TOPMed 0.00003.
gnomAD v4.1: 2 of 1,613,720 alleles (0.00012%); highest among the groups gnomAD compares: African/African-American, 0.0027%; no homozygotes.

Submissions (2):

Ambry Genetics
Classification: Uncertain significance for Inborn genetic diseases. Last evaluated: 2025-10-29. Review status: criteria provided, single submitter. Criteria: Ambry Variant Classification Scheme 2023. Collection method: clinical testing. Allele origin: germline.
Comment: The c.4726C>A (p.P1576T) alteration is located in exon 23 (coding exon 22) of the NIPBL gene. This alteration results from a C to A substitution at nucleotide position 4726, causing the proline (P) at amino acid position 1576 to be replaced by a threonine (T). Based on data from gnomAD, the A allele has an overall frequency of <0.001% (1/251384) total alleles studied. The highest observed frequency was 0.006% (1/16254) of African alleles. Based on insufficient or conflicting evidence, the clinical significance of this alteration remains unclear.

Labcorp Genetics (formerly Invitae), Labcorp
Classification: Uncertain significance for Cornelia de Lange syndrome 1. Last evaluated: 2023-04-20. Review status: criteria provided, single submitter. Criteria: Invitae Variant Classification Sherloc (09022015). Collection method: clinical testing. Allele origin: germline.
Comment: In summary, the available evidence is currently insufficient to determine the role of this variant in disease. Therefore, it has been classified as a Variant of Uncertain Significance. Advanced modeling of protein sequence and biophysical properties (such as structural, functional, and spatial information, amino acid conservation, physicochemical variation, residue mobility, and thermodynamic stability) performed at Invitae indicates that this missense variant is expected to disrupt NIPBL protein function. This variant has not been reported in the literature in individuals affected with NIPBL-related conditions. This variant is present in population databases (rs749218502, gnomAD 0.007%). This sequence change replaces proline, which is neutral and non-polar, with threonine, which is neutral and polar, at codon 1576 of the NIPBL protein (p.Pro1576Thr).